The following is an entry in ClinVar:

NM_004329.3(BMPR1A):c.1369T>C (p.Tyr457His)

Gene: BMPR1A (bone morphogenetic protein receptor type 1A; plus strand). Cytogenetic location: 10q23.2.
Variant type: single nucleotide variant.
Coding change: c.1369T>C on transcript NM_004329.3 (MANE Select); coding-DNA position 1369, T replaced by C.
Protein change: p.Tyr457His; replaces tyrosine 457 with histidine.
Molecular consequence: missense variant. On other transcripts: non-coding transcript variant (3).
Genome position (GRCh38, 1-based): chr10:86,923,402, T>C. VCF-style: chr10-86923402-T-C. GRCh37 (hg19) VCF-style: chr10-88683159-T-C.
Other names: c.1285T>C, p.Tyr429His (NM_001406584.1, NM_001406585.1, NM_001406586.1 and 2 more transcripts); c.1027T>C, p.Tyr343His (NM_001406589.1); c.1444T>C, p.Tyr482His (NM_001406559.1); c.1417T>C, p.Tyr473His (NM_001406560.1); c.1369T>C, p.Tyr457His (NM_001406561.1, NM_001406562.1, NM_001406563.1 and 19 more transcripts); c.1363T>C, p.Tyr455His (NM_001406583.1); short protein forms Y482H, Y457H, Y343H, Y473H, Y429H, Y455H.
Identifiers: ClinVar variation 5032994 (VCV005032994.1).

ClinVar aggregate classification (germline): Uncertain significance (1 of 4 stars; one submission).

Conditions:
Hereditary cancer-predisposing syndrome. Also called: Neoplastic Syndromes, Hereditary; Tumor predisposition; Hereditary neoplastic syndrome; Hereditary Cancer Syndrome. Identifiers: Orphanet 140162, MedGen C0027672, MeSH D009386, MONDO:0015356.

Submission:

Ambry Genetics
Classification: Uncertain significance for Hereditary cancer-predisposing syndrome. Last evaluated: 2026-07-07. Review status: criteria provided, single submitter. Criteria: Ambry Variant Classification Scheme 2023. Collection method: clinical testing. Allele origin: germline.
Comment: The p.Y457H variant (also known as c.1369T>C), located in coding exon 10 of the BMPR1A gene, results from a T to C substitution at nucleotide position 1369. The tyrosine at codon 457 is replaced by histidine, an amino acid with similar properties. This amino acid position is conserved. In addition, the in silico prediction for this alteration is inconclusive. Based on the available evidence, the clinical significance of this variant remains unclear.